The following is an entry in ClinVar:

ClinVar aggregate classification (germline): Likely benign. Review status: criteria provided, multiple submitters, no conflicts (2 of 4 stars). 4 submissions from 4 submitters: Likely benign (4). Last evaluated 2025-06-23.

Conditions:
Multiple endocrine neoplasia, type 2 (MEN2). Identifiers: Orphanet 653, MedGen C4048306, MONDO:0019003. Disease mechanism: gain of function.
Hereditary cancer-predisposing syndrome. Also called: Hereditary Cancer Syndrome; Tumor predisposition; Neoplastic Syndromes, Hereditary; Hereditary neoplastic syndrome. Identifiers: Orphanet 140162, MedGen C0027672, MeSH D009386, MONDO:0015356.

Allele frequency attached by ClinVar (database versions not stated): ExAC 0.00001.
gnomAD v4.1: 2 of 1,614,046 alleles (0.00012%); highest among the groups gnomAD compares: Non-Finnish European, 0.000085%; no homozygotes.

Submissions (4):

Color Diagnostics, LLC DBA Color Health
Classification: Likely benign for Multiple endocrine neoplasia, type 2. Last evaluated: 2025-06-23. Review status: criteria provided, single submitter. Criteria: ACMG Guidelines, 2015. Collection method: clinical testing. Allele origin: germline.

Molecular Diagnostics Laboratory, Catalan Institute of Oncology
Classification: Likely benign for Hereditary cancer-predisposing syndrome. Last evaluated: 2025-01-15. Review status: criteria provided, single submitter. Criteria: ACMG Guidelines, 2015. Collection method: clinical testing. Allele origin: germline.
Comment: PM2_Supporting, BP4, BP7 c.3153C>A located in exon 19 of the RET gene is predicted to result in no amino acid change, p.(Ala1051=)(BP7).This variant is found in 1/118160, with a filter allele frequency of 0.0001% at 99% confidence in the gnomAD v2.1.1 database (European non Finnish non-cancer data set) (PM2_Supporting). The SpliceAI algorithm predicts no significant impact on splicing (BP4). In addition, the variant was also identified in the ClinVar database (2x likely benign) but it has not been reported in LOVD database. To our knowledge, functional studies have not been reported for this variant. Based on currently available information, the variant c.3153C>A is classified as a likely benign variant according to ACMG guidelines.

Labcorp Genetics (formerly Invitae), Labcorp
Classification: Likely benign for Multiple endocrine neoplasia, type 2. Last evaluated: 2024-02-18. Review status: criteria provided, single submitter. Criteria: Invitae Variant Classification Sherloc (09022015). Collection method: clinical testing. Allele origin: germline.

Ambry Genetics
Classification: Likely benign for Hereditary cancer-predisposing syndrome. Last evaluated: 2023-11-02. Review status: criteria provided, single submitter. Criteria: Ambry Variant Classification Scheme 2023. Collection method: clinical testing. Allele origin: germline.

NM_020975.6(RET):c.3153C>A (p.Ala1051=)

Gene: RET (ret proto-oncogene; plus strand). Cytogenetic location: 10q11.21.
Variant type: single nucleotide variant.
Coding change: c.3153C>A on transcript NM_020975.6 (MANE Select); coding-DNA position 3153, C replaced by A.
Protein change: p.Ala1051=; no amino-acid change (alanine 1051 retained).
Molecular consequence: synonymous variant. On other transcripts: intron variant (4).
Genome position (GRCh38, 1-based): chr10:43,126,688, C>A. VCF-style: chr10-43126688-C-A. GRCh37 (hg19) VCF-style: chr10-43622136-C-A.
Other names: c.3153C>A, p.Ala1051= (NM_000323.2, NM_001406743.1, NM_001406744.1 and 2 more transcripts); c.2391C>A, p.Ala797= (NM_001355216.2); c.3024C>A, p.Ala1008= (NM_001406761.1, NM_001406762.1, NM_001406764.1); c.3018C>A, p.Ala1006= (NM_001406763.1, NM_001406765.1); c.2865C>A, p.Ala955= (NM_001406766.1, NM_001406767.1, NM_001406770.1); c.2889C>A, p.Ala963= (NM_001406768.1); c.2757C>A, p.Ala919= (NM_001406769.1, NM_001406772.1); c.2715C>A, p.Ala905= (NM_001406771.1, NM_001406773.1); and 13 more.
Identifiers: ClinVar variation 1538914 (VCV001538914.11), dbSNP rs755946631, ClinGen allele CA042824.